The following is an entry in ClinVar:

ClinVar aggregate classification (germline): Uncertain significance. Review status: criteria provided, single submitter (1 of 4 stars). 2 submissions from 2 submitters: Uncertain significance (1). 1 of the submissions does not count toward it. Last evaluated 2022-08-23.

Conditions:
Retinitis pigmentosa 25 (RP25). Identifiers: Orphanet 791, MedGen C1864446, MONDO:0011272, OMIM 602772.

gnomAD v4.1: 2 of 1,551,344 alleles (0.00013%); no homozygotes.

Submissions (2):

Labcorp Genetics (formerly Invitae), Labcorp
Classification: Uncertain significance. Last evaluated: 2022-08-23. Review status: criteria provided, single submitter. Criteria: Invitae Variant Classification Sherloc (09022015). Collection method: clinical testing. Allele origin: germline.
Comment: This sequence change replaces aspartic acid, which is acidic and polar, with glycine, which is neutral and non-polar, at codon 1468 of the EYS protein (p.Asp1468Gly). This variant is not present in population databases (gnomAD no frequency). This variant has not been reported in the literature in individuals affected with EYS-related conditions. ClinVar contains an entry for this variant (Variation ID: 1483680). Algorithms developed to predict the effect of missense changes on protein structure and function output the following: SIFT: "Deleterious"; PolyPhen-2: "Benign"; Align-GVGD: "Class C0". The glycine amino acid residue is found in multiple mammalian species, which suggests that this missense change does not adversely affect protein function. Algorithms developed to predict the effect of sequence changes on RNA splicing suggest that this variant may create or strengthen a splice site. In summary, the available evidence is currently insufficient to determine the role of this variant in disease. Therefore, it has been classified as a Variant of Uncertain Significance.

Natera, Inc.
Classification: Uncertain significance for Retinitis pigmentosa type 25. Last evaluated: 2025-05-12. Review status: no assertion criteria provided. Collection method: clinical testing. Allele origin: germline. Not counted in ClinVar's aggregate classification.

NM_001142800.2(EYS):c.4403A>G (p.Asp1468Gly)

Gene: EYS (eyes shut homolog; minus strand). Cytogenetic location: 6q12.
Variant type: single nucleotide variant.
Coding change: c.4403A>G on transcript NM_001142800.2 (MANE Select); coding-DNA position 4403, A replaced by G.
Protein change: p.Asp1468Gly; replaces aspartic acid 1468 with glycine.
Molecular consequence: missense variant.
Genome position (GRCh38, 1-based): chr6:64,591,464, T>C on the plus strand (A>G on the coding strand, the complement: EYS is on the minus strand). VCF-style: chr6-64591464-T-C. GRCh37 (hg19) VCF-style: chr6-65301357-T-C.
Other names: c.4403A>G, p.Asp1468Gly (NM_001292009.2); c.4403A>G (NM_001142800.1); short protein forms D1468G.
Identifiers: ClinVar variation 1483680 (VCV001483680.4), dbSNP rs2149832138, ClinGen allele CA364783404.